The following is an entry in ClinVar:

ClinVar aggregate classification (germline): Uncertain significance. Review status: criteria provided, multiple submitters, no conflicts (2 of 4 stars). 4 submissions from 4 submitters: Uncertain significance (4). Last evaluated 2026-01-13.

Conditions:
Hereditary cancer-predisposing syndrome. Also called: Tumor predisposition; Hereditary Cancer Syndrome; Neoplastic Syndromes, Hereditary; Hereditary neoplastic syndrome. Identifiers: Orphanet 140162, MedGen C0027672, MeSH D009386, MONDO:0015356.
Familial cancer of breast. Also called: Hereditary breast cancer; BREAST CANCER, FAMILIAL; hereditary breast carcinoma. Identifiers: Orphanet 227535, MedGen C0346153, MONDO:0016419, OMIM 114480. Disease mechanism: loss of function.
Fanconi anemia complementation group J. Also called: BRIP1-Related Fanconi Anemia. Identifiers: Orphanet 84, MedGen C1836860, MONDO:0012187, OMIM 609054.

Allele frequency attached by ClinVar (database versions not stated): gnomAD 0.00001; TOPMed 0.00001.
gnomAD v4.1: 2 of 1,613,872 alleles (0.00012%); highest among the groups gnomAD compares: Non-Finnish European, 0.00017%; no homozygotes.

Submissions (4):

Labcorp Genetics (formerly Invitae), Labcorp
Classification: Uncertain significance for Familial cancer of breast; Fanconi anemia complementation group J. Last evaluated: 2026-01-13. Review status: criteria provided, single submitter. Criteria: Invitae Variant Classification Sherloc (09022015). Collection method: clinical testing. Allele origin: germline.
Comment: This sequence change replaces glutamic acid, which is acidic and polar, with glutamine, which is neutral and polar, at codon 945 of the BRIP1 protein (p.Glu945Gln). This variant is not present in population databases (gnomAD no frequency). This variant has not been reported in the literature in individuals affected with BRIP1-related conditions. ClinVar contains an entry for this variant (Variation ID: 216795). Invitae Evidence Modeling of protein sequence and biophysical properties (such as structural, functional, and spatial information, amino acid conservation, physicochemical variation, residue mobility, and thermodynamic stability) indicates that this missense variant is not expected to disrupt BRIP1 protein function with a negative predictive value of 95%. In summary, the available evidence is currently insufficient to determine the role of this variant in disease. Therefore, it has been classified as a Variant of Uncertain Significance.

Ambry Genetics
Classification: Uncertain significance for Hereditary cancer-predisposing syndrome. Last evaluated: 2024-01-10. Review status: criteria provided, single submitter. Criteria: Ambry Variant Classification Scheme 2023. Collection method: clinical testing. Allele origin: germline.
Comment: The p.E945Q variant (also known as c.2833G>C), located in coding exon 18 of the BRIP1 gene, results from a G to C substitution at nucleotide position 2833. The glutamic acid at codon 945 is replaced by glutamine, an amino acid with highly similar properties. This amino acid position is highly conserved in available vertebrate species. In addition, this alteration is predicted to be tolerated by in silico analysis. Since supporting evidence is limited at this time, the clinical significance of this alteration remains unclear.

GeneDx
Classification: Uncertain significance. Last evaluated: 2021-11-10. Review status: criteria provided, single submitter. Criteria: GeneDx Variant Classification Process June 2021. Collection method: clinical testing. Allele origin: germline. Affected: yes.
Comment: Not observed at significant frequency in large population cohorts (Lek et al., 2016); In silico analysis supports that this missense variant does not alter protein structure/function; In-silico analysis is inconclusive as to whether the variant alters gene splicing. In the absence of RNA/functional studies, the actual effect of this sequence change is unknown.; Has not been previously published as pathogenic or benign to our knowledge; This variant is associated with the following publications: (PMID: 11301010)

Color Diagnostics, LLC DBA Color Health
Classification: Uncertain significance for Hereditary cancer-predisposing syndrome. Last evaluated: 2019-06-03. Review status: criteria provided, single submitter. Criteria: ACMG Guidelines, 2015. Collection method: clinical testing. Allele origin: germline.

NM_032043.3(BRIP1):c.2833G>C (p.Glu945Gln)

Gene: BRIP1 (BRCA1 interacting DNA helicase 1; minus strand). Cytogenetic location: 17q23.2.
Variant type: single nucleotide variant.
Coding change: c.2833G>C on transcript NM_032043.3 (MANE Select); coding-DNA position 2833, G replaced by C.
Protein change: p.Glu945Gln; replaces glutamic acid 945 with glutamine.
Molecular consequence: missense variant.
Genome position (GRCh38, 1-based): chr17:61,685,908, C>G on the plus strand (G>C on the coding strand, the complement: BRIP1 is on the minus strand). VCF-style: chr17-61685908-C-G. GRCh37 (hg19) VCF-style: chr17-59763269-C-G.
Other names: short protein forms E945Q.
Identifiers: ClinVar variation 216795 (VCV000216795.16), dbSNP rs863224802, ClinGen allele CA335751.